The following is an entry in ClinVar:

NM_018109.4(MTPAP):c.1688G>C (p.Gly563Ala)

Gene: MTPAP (mitochondrial poly(A) polymerase; minus strand). Cytogenetic location: 10p11.23.
Variant type: single nucleotide variant.
Coding change: c.1688G>C on transcript NM_018109.4 (MANE Select); coding-DNA position 1688, G replaced by C.
Protein change: p.Gly563Ala; replaces glycine 563 with alanine.
Molecular consequence: missense variant.
Genome position (GRCh38, 1-based): chr10:30,313,670, C>G on the plus strand (G>C on the coding strand, the complement: MTPAP is on the minus strand). VCF-style: chr10-30313670-C-G. GRCh37 (hg19) VCF-style: chr10-30602599-C-G.
Other names: short protein forms G563A.
Identifiers: ClinVar variation 2006140 (VCV002006140.4), dbSNP rs1437060601, ClinGen allele CA376433919.

ClinVar aggregate classification (germline): Uncertain significance (1 of 4 stars; one submission).

Submission:

Labcorp Genetics (formerly Invitae), Labcorp
Classification: Uncertain significance. Last evaluated: 2022-10-03. Review status: criteria provided, single submitter. Criteria: Invitae Variant Classification Sherloc (09022015). Collection method: clinical testing. Allele origin: germline.
Comment: In summary, the available evidence is currently insufficient to determine the role of this variant in disease. Therefore, it has been classified as a Variant of Uncertain Significance. Algorithms developed to predict the effect of missense changes on protein structure and function output the following: SIFT: "Tolerated"; PolyPhen-2: "Benign"; Align-GVGD: "Class C0". The alanine amino acid residue is found in multiple mammalian species, which suggests that this missense change does not adversely affect protein function. This variant has not been reported in the literature in individuals affected with MTPAP-related conditions. This variant is not present in population databases (gnomAD no frequency). This sequence change replaces glycine, which is neutral and non-polar, with alanine, which is neutral and non-polar, at codon 563 of the MTPAP protein (p.Gly563Ala).